The following is an entry in ClinVar:

ClinVar aggregate classification (germline): Uncertain significance (1 of 4 stars; one submission).

Submission:

GeneDx
Classification: Uncertain significance. Last evaluated: 2019-12-03. Review status: criteria provided, single submitter. Criteria: GeneDx Variant Classification Process June 2021. Collection method: clinical testing. Allele origin: germline. Affected: yes.
Comment: Not observed in large population cohorts (Lek et al., 2016); In silico analysis, which includes protein predictors and evolutionary conservation, supports a deleterious effect; Has not been previously published as pathogenic or benign to our knowledge

NM_078629.4(MSL3):c.1186A>C (p.Ser396Arg)

Gene: MSL3 (MSL complex subunit 3; plus strand). Cytogenetic location: Xp22.2.
Variant type: single nucleotide variant.
Coding change: c.1186A>C on transcript NM_078629.4 (MANE Select); coding-DNA position 1186, A replaced by C.
Protein change: p.Ser396Arg; replaces serine 396 with arginine.
Molecular consequence: missense variant.
Genome position (GRCh38, 1-based): chrX:11,768,587, A>C. VCF-style: chrX-11768587-A-C. GRCh37 (hg19) VCF-style: chrX-11786706-A-C.
Other names: c.1150A>C, p.Ser384Arg (NM_001193270.2); c.739A>C, p.Ser247Arg (NM_001282174.1); c.688A>C, p.Ser230Arg (NM_006800.4); short protein forms S230R, S247R, S384R, S396R.
Identifiers: ClinVar variation 1310868 (VCV001310868.2), dbSNP rs2147250129, ClinGen allele CA412066553.